The following is an entry in ClinVar:

NM_000302.4(PLOD1):c.814G>A (p.Glu272Lys)

Gene: PLOD1 (procollagen-lysine,2-oxoglutarate 5-dioxygenase 1; plus strand). Cytogenetic location: 1p36.22.
Variant type: single nucleotide variant.
Coding change: c.814G>A on transcript NM_000302.4 (MANE Select); coding-DNA position 814, G replaced by A.
Protein change: p.Glu272Lys; replaces glutamic acid 272 with lysine.
Molecular consequence: missense variant.
Genome position (GRCh38, 1-based): chr1:11,957,914, G>A. VCF-style: chr1-11957914-G-A. GRCh37 (hg19) VCF-style: chr1-12017971-G-A.
Other names: c.955G>A, p.Glu319Lys (NM_001316320.2); short protein forms E272K, E319K.
Identifiers: ClinVar variation 652711 (VCV000652711.7), dbSNP rs1267512667, ClinGen allele CA338432840.

ClinVar aggregate classification (germline): Uncertain significance. Review status: criteria provided, multiple submitters, no conflicts (2 of 4 stars). 2 submissions from 2 submitters: Uncertain significance (2). Last evaluated 2024-06-09.

Conditions:
Familial thoracic aortic aneurysm and aortic dissection (TAAD). Also called: Thoracic aortic aneurysms and dissections. Identifiers: Orphanet 91387, MedGen C4707243, MONDO:0019625.
Ehlers-Danlos syndrome, kyphoscoliotic type 1 (EDSKSCL1). Also called: PLOD1-Related Kyphoscoliotic Ehlers-Danlos Syndrome; EHLERS-DANLOS SYNDROME, TYPE VIA; EHLERS-DANLOS SYNDROME, OCULAR-SCOLIOTIC TYPE; Ehlers-Danlos syndrome, hydroxylysine-deficient. Identifiers: Orphanet 1900, MedGen C0268342, MONDO:0016002, OMIM 225400. Disease mechanism: loss of function.

Allele frequency attached by ClinVar (database versions not stated): gnomAD exomes below 0.00001 and 0.00001; TOPMed below 0.00001.
gnomAD v4.1: 16 of 1,613,732 alleles (0.00099%); highest among the groups gnomAD compares: Non-Finnish European, 0.0012%; no homozygotes.

Submissions (2):

Ambry Genetics
Classification: Uncertain significance for Familial thoracic aortic aneurysm and aortic dissection. Last evaluated: 2024-06-09. Review status: criteria provided, single submitter. Criteria: Ambry Variant Classification Scheme 2023. Collection method: clinical testing. Allele origin: germline.
Comment: The p.E272K variant (also known as c.814G>A), located in coding exon 8 of the PLOD1 gene, results from a G to A substitution at nucleotide position 814. The glutamic acid at codon 272 is replaced by lysine, an amino acid with similar properties. This amino acid position is conserved. In addition, the in silico prediction for this alteration is inconclusive. Based on the available evidence, the clinical significance of this variant remains unclear.

Labcorp Genetics (formerly Invitae), Labcorp
Classification: Uncertain significance for Ehlers-Danlos syndrome, kyphoscoliotic type 1. Last evaluated: 2022-06-04. Review status: criteria provided, single submitter. Criteria: Invitae Variant Classification Sherloc (09022015). Collection method: clinical testing. Allele origin: germline.
Comment: This sequence change replaces glutamic acid, which is acidic and polar, with lysine, which is basic and polar, at codon 272 of the PLOD1 protein (p.Glu272Lys). This variant is present in population databases (no rsID available, gnomAD 0.0009%). This variant has not been reported in the literature in individuals affected with PLOD1-related conditions. ClinVar contains an entry for this variant (Variation ID: 652711). Algorithms developed to predict the effect of missense changes on protein structure and function (SIFT, PolyPhen-2, Align-GVGD) all suggest that this variant is likely to be tolerated. In summary, the available evidence is currently insufficient to determine the role of this variant in disease. Therefore, it has been classified as a Variant of Uncertain Significance.